The following is an entry in ClinVar:

NM_172107.4(KCNQ2):c.1763+2C>G

Gene: KCNQ2 (potassium voltage-gated channel subfamily Q member 2; minus strand). Cytogenetic location: 20q13.33.
Variant type: single nucleotide variant.
Coding change: c.1763+2C>G on transcript NM_172107.4 (MANE Select); the canonical splice donor site of the intron after coding-DNA position 1763, C replaced by G.
Molecular consequence: splice donor variant.
Genome position (GRCh38, 1-based): chr20:63,413,448, G>C on the plus strand (C>G on the coding strand, the complement: KCNQ2 is on the minus strand). VCF-style: chr20-63413448-G-C. GRCh37 (hg19) VCF-style: chr20-62044801-G-C.
Other names: c.1679+2C>G (NM_004518.6); c.1670+2C>G (NM_172108.5); c.1709+2C>G (NM_172106.3, NM_001382235.1); c.1763+2C>G (NM_172107.2).
Identifiers: ClinVar variation 2861369 (VCV002861369.5), dbSNP rs1360809225, ClinGen allele CA409643236.

ClinVar aggregate classification (germline): Conflicting classifications of pathogenicity. Review status: criteria provided, conflicting classifications (1 of 4 stars). 2 submissions from 2 submitters: Likely pathogenic (1); Uncertain significance (1). Last evaluated 2024-04-17.

Conditions:
Seizures, benign familial neonatal, 1. Also called: Benign Neonatal Epilepsy 1; KCNQ2-Related Benign Familial Neonatal Epilepsy; KCNQ2-Related Self-Limited Familial Neonatal Epilepsy (SLFNE); Seizures, benign neonatal, 1. Identifiers: Orphanet 1949, MedGen C3149074, MONDO:0007365, OMIM 121200.
Early-infantile DEE. Also called: Early infantile epileptic encephalopathy; Ohtahara syndrome; Early infantile epileptic encephalopathy with suppression bursts. Identifiers: Orphanet 1934, MedGen C0393706, MONDO:0800491.

Submissions (2):

Labcorp Genetics (formerly Invitae), Labcorp
Classification: Likely pathogenic for Early-infantile DEE. Last evaluated: 2024-04-17. Review status: criteria provided, single submitter. Criteria: Invitae Variant Classification Sherloc (09022015). Collection method: clinical testing. Allele origin: germline.
Comment: This sequence change affects a donor splice site in intron 15 of the KCNQ2 gene. It is expected to disrupt RNA splicing. Variants that disrupt the donor or acceptor splice site typically lead to a loss of protein function (PMID: 16199547), and loss-of-function variants in KCNQ2 are known to be pathogenic (PMID: 14534157, 23692823, 27779742). This variant is not present in population databases (gnomAD no frequency). Disruption of this splice site has been observed in individual(s) with developmental and epileptic encephalopathy (PMID: 35571021). Algorithms developed to predict the effect of sequence changes on RNA splicing suggest that this variant may disrupt the consensus splice site. In summary, the currently available evidence indicates that the variant is pathogenic, but additional data are needed to prove that conclusively. Therefore, this variant has been classified as Likely Pathogenic.

Genomic Medicine Center of Excellence, King Faisal Specialist Hospital and Research Centre
Classification: Uncertain significance for Seizures, benign familial neonatal, 1. Last evaluated: 2024-03-25. Review status: criteria provided, single submitter. Criteria: ACMG Guidelines, 2015. Collection method: research. Allele origin: germline.

Literature cited by the submitters: PubMed 16199547 (cited by Labcorp Genetics (formerly Invitae), Labcorp); PubMed 14534157 (cited by Labcorp Genetics (formerly Invitae), Labcorp); PubMed 23692823 (cited by Labcorp Genetics (formerly Invitae), Labcorp); PubMed 27779742 (cited by Labcorp Genetics (formerly Invitae), Labcorp); PubMed 35571021 (cited by Labcorp Genetics (formerly Invitae), Labcorp).